The following is an entry in ClinVar:

NM_001371986.1(UNC80):c.1313T>C (p.Leu438Pro)

Gene: UNC80 (unc-80 subunit of NALCN channel complex; plus strand). Cytogenetic location: 2q34.
Variant type: single nucleotide variant.
Coding change: c.1313T>C on transcript NM_001371986.1 (MANE Select); coding-DNA position 1313, T replaced by C.
Protein change: p.Leu438Pro; replaces leucine 438 with proline.
Molecular consequence: missense variant.
Genome position (GRCh38, 1-based): chr2:209,815,369, T>C. VCF-style: chr2-209815369-T-C. GRCh37 (hg19) VCF-style: chr2-210680093-T-C.
Other names: c.1313T>C, p.Leu438Pro (NM_032504.2, NM_182587.4); short protein forms L438P.
Identifiers: ClinVar variation 1031498 (VCV001031498.23), dbSNP rs200743585, ClinGen allele CA2082921.

ClinVar aggregate classification (germline): Uncertain significance. Review status: criteria provided, multiple submitters, no conflicts (2 of 4 stars). 7 submissions from 7 submitters: Uncertain significance (6). 1 of the submissions does not count toward it. Last evaluated 2025-11-12.

Conditions:
Inborn genetic diseases. Identifiers: MedGen C0950123, MeSH D030342.
UNC80-related disorder. Also called: UNC80-related condition.
Hypotonia, infantile, with psychomotor retardation and characteristic facies 2 (IHPRF2). Also called: UNC80 Deficiency. Identifiers: Orphanet 371364, Orphanet 700333, MedGen C4225203, MONDO:0014777, OMIM 616801.

Allele frequency attached by ClinVar (database versions not stated): ExAC 0.00014; 1000 Genomes Project 30x 0.00016; 1000 Genomes Project 0.00020; gnomAD 0.00022 and 0.00023; TOPMed 0.00029; gnomAD exomes 0.00031; ESP Exome Variant Server 0.00044.
gnomAD v4.1: 410 of 1,551,296 alleles (0.026%); highest among the groups gnomAD compares: Admixed American, 0.045%; no homozygotes.

Submissions (7):

Ambry Genetics
Classification: Uncertain significance for Inborn genetic diseases. Last evaluated: 2025-11-12. Review status: criteria provided, single submitter. Criteria: Ambry Variant Classification Scheme 2023. Collection method: clinical testing. Allele origin: germline.

PreventionGenetics, part of Exact Sciences
Classification: Uncertain significance for UNC80-related condition. Last evaluated: 2025-06-26. Review status: criteria provided, single submitter. Criteria: ACMG Guidelines, 2015. Collection method: clinical testing. Allele origin: germline.
Comment: The UNC80 c.1313T>C variant is predicted to result in the amino acid substitution p.Leu438Pro. To our knowledge, this variant has not been reported in the literature. This variant is reported in 0.044% of alleles in individuals of Latino descent in gnomAD. This variant has an interpretation of uncertain significance in ClinVar. At this time, the clinical significance of this variant is uncertain due to the absence of conclusive functional and genetic evidence.

Blueprint Genetics
Classification: Uncertain significance. Last evaluated: 2024-10-28. Review status: criteria provided, single submitter. Criteria: ACMG Guidelines, 2015. Collection method: clinical testing. Allele origin: germline.

CeGaT Center for Human Genetics Tuebingen
Classification: Uncertain significance. Last evaluated: 2024-08-01. Review status: criteria provided, single submitter. Criteria: CeGaT Center For Human Genetics Tuebingen Variant Classification Criteria Version 2. Collection method: clinical testing. Allele origin: germline. Affected: yes. Observed: 1 variant allele.
Comment: UNC80: PM2

Labcorp Genetics (formerly Invitae), Labcorp
Classification: Uncertain significance. Last evaluated: 2024-01-15. Review status: criteria provided, single submitter. Criteria: Invitae Variant Classification Sherloc (09022015). Collection method: clinical testing. Allele origin: germline.
Comment: This sequence change replaces leucine, which is neutral and non-polar, with proline, which is neutral and non-polar, at codon 438 of the UNC80 protein (p.Leu438Pro). This variant is present in population databases (rs200743585, gnomAD 0.04%). This variant has not been reported in the literature in individuals affected with UNC80-related conditions. ClinVar contains an entry for this variant (Variation ID: 1031498). An algorithm developed to predict the effect of missense changes on protein structure and function (PolyPhen-2) suggests that this variant is likely to be disruptive. In summary, the available evidence is currently insufficient to determine the role of this variant in disease. Therefore, it has been classified as a Variant of Uncertain Significance.

Baylor Genetics
Classification: Uncertain significance for Hypotonia, infantile, with psychomotor retardation and characteristic facies 2. Last evaluated: 2018-12-21. Review status: criteria provided, single submitter. Criteria: ACMG Guidelines, 2015. Collection method: clinical testing. Allele origin: maternal. Affected: yes.
Comment: This variant was determined to be of uncertain significance according to ACMG Guidelines, 2015 [PMID:25741868].

Department of Pathology and Laboratory Medicine, Sinai Health System
Classification: Uncertain significance. Review status: no assertion criteria provided. Collection method: clinical testing. Allele origin: unknown. Affected: yes. Study: The Canadian Open Genetics Repository (COGR). Not counted in ClinVar's aggregate classification.
Comment: The UNC80 p.Leu438Pro variant was not identified in the literature nor was it identified in ClinVar. The variant was identified in dbSNP (ID: rs200743585) and LOVD 3.0 (effect unknown). The variant was identified in control databases in 52 of 187564 chromosomes at a frequency of 0.0002772 (Genome Aggregation Database March 6, 2019, v2.1.1). The variant was observed in the following populations: Other in 3 of 5468 chromosomes (freq: 0.000549), Latino in 11 of 25188 chromosomes (freq: 0.000437), European (non-Finnish) in 31 of 76142 chromosomes (freq: 0.000407) and European (Finnish) in 7 of 20326 chromosomes (freq: 0.000344), but was not observed in the African, Ashkenazi Jewish, East Asian, or South Asian populations. The p.Leu438 residue is conserved in mammals but not in more distantly related organisms, and four out of five computational analyses (PolyPhen-2, SIFT, AlignGVGD, BLOSUM, MutationTaster) suggest that the variant may impact the protein; however, this information is not predictive enough to assume pathogenicity. The variant occurs outside of the splicing consensus sequence and 1 of 4 in silico or computational prediction software programs (SpliceSiteFinder, MaxEntScan, NNSPLICE, GeneSplicer) predict a greater than 10% difference in splicing; this is not very predictive of pathogenicity. In summary, based on the above information the clinical significance of this variant cannot be determined with certainty at this time. This variant is classified as a variant of uncertain significance.